The following is an entry in ClinVar:

ClinVar aggregate classification (germline): Uncertain significance. Review status: criteria provided, multiple submitters, no conflicts (2 of 4 stars). 4 submissions from 4 submitters: Uncertain significance (3). 1 of the submissions does not count toward it. Last evaluated 2025-11-09.

Conditions:
Thrombomodulin-related bleeding disorder (THPH12). Also called: Thrombophilia due to thrombomodulin defect. Identifiers: Orphanet 436169, MedGen C3280976, MONDO:0013775, OMIM 614486.
Abnormal bleeding. Also called: Bleeding diathesis. Identifiers: MedGen C1458140, HP:0001892.
Thrombocytopenia. Identifiers: MedGen C0040034, MeSH D013921, MONDO:0002049, HP:0001873.
Atypical hemolytic-uremic syndrome with thrombomodulin anomaly. Also called: HEMOLYTIC UREMIC SYNDROME, ATYPICAL, SUSCEPTIBILITY TO, 6; AHUS, SUSCEPTIBILITY TO, 6. Identifiers: MedGen C2752036, MONDO:0013044, OMIM 612926. Disease mechanism: gain of function.

Allele frequency attached by ClinVar (database versions not stated): gnomAD 0.00001; TOPMed 0.00003; gnomAD exomes 0.00005 and 0.00009; ExAC 0.00006; 1000 Genomes Project 30x 0.00016; 1000 Genomes Project 0.00020.

Submissions (4):

Labcorp Genetics (formerly Invitae), Labcorp
Classification: Uncertain significance. Last evaluated: 2025-11-09. Review status: criteria provided, single submitter. Criteria: Invitae Variant Classification Sherloc (09022015). Collection method: clinical testing. Allele origin: germline.
Comment: This sequence change replaces leucine, which is neutral and non-polar, with tryptophan, which is neutral and slightly polar, at codon 136 of the THBD protein (p.Leu136Trp). This variant is present in population databases (rs550522588, gnomAD 0.005%). This missense change has been observed in individual(s) with venous thromboembolism and/or thrombocytopenia (PMID: 32935436, 34970867). ClinVar contains an entry for this variant (Variation ID: 988879). Invitae Evidence Modeling of protein sequence and biophysical properties (such as structural, functional, and spatial information, amino acid conservation, physicochemical variation, residue mobility, and thermodynamic stability) indicates that this missense variant is expected to disrupt THBD protein function with a positive predictive value of 80%. In summary, the available evidence is currently insufficient to determine the role of this variant in disease. Therefore, it has been classified as a Variant of Uncertain Significance.

Genomenon, Inc
Classification: Uncertain significance for Thrombomodulin-related bleeding disorder. Last evaluated: 2025-09-22. Review status: criteria provided, single submitter. Criteria: Genomenon Sequence Variant Interpretation Standards - Updated. Collection method: curation. Allele origin: germline. Affected: no.
Comment: THBD p.Leu136Trp (c.407T>G) is a missense variant that changes the amino acid at residue 136 from Leucine to Tryptophan. This variant has been reported in the published literature (PMID:34970867;32935436). It is absent or not present at a significant frequency in gnomAD. In silico models agree that this variant is not damaging. In conclusion, we classify THBD p.Leu136Trp (c.407T>G) as a variant of unknown significance.

Fulgent Genetics
Classification: Uncertain significance for Atypical hemolytic-uremic syndrome with thrombomodulin anomaly; Thrombomodulin-related bleeding disorder. Last evaluated: 2024-06-10. Review status: criteria provided, single submitter. Criteria: ACMG Guidelines, 2015. Collection method: clinical testing. Allele origin: germline.

Birmingham Platelet Group; University of Birmingham
Classification: Uncertain significance for Thrombocytopenia; Abnormal bleeding. Last evaluated: 2020-05-01. Review status: no assertion criteria provided. Collection method: research. Allele origin: germline. Affected: yes. Not counted in ClinVar's aggregate classification.

Literature cited by the submitters: PubMed 32935436 (cited by Labcorp Genetics (formerly Invitae), Labcorp and Genomenon, Inc); PubMed 34970867 (cited by Labcorp Genetics (formerly Invitae), Labcorp and Genomenon, Inc).

NM_000361.3(THBD):c.407T>G (p.Leu136Trp)

Gene: THBD (thrombomodulin; minus strand). Cytogenetic location: 20p11.21.
Variant type: single nucleotide variant.
Coding change: c.407T>G on transcript NM_000361.3 (MANE Select); coding-DNA position 407, T replaced by G.
Protein change: p.Leu136Trp; replaces leucine 136 with tryptophan.
Molecular consequence: missense variant.
Genome position (GRCh38, 1-based): chr20:23,049,098, A>C on the plus strand (T>G on the coding strand, the complement: THBD is on the minus strand). VCF-style: chr20-23049098-A-C. GRCh37 (hg19) VCF-style: chr20-23029735-A-C.
Other names: short protein forms L136W.
Identifiers: ClinVar variation 988879 (VCV000988879.8), dbSNP rs550522588, ClinGen allele CA9787739.
Genomic context (GRCh38, chr20:23,049,098, plus strand): 5'-TGCTCCTCCCAGATCGGCTCGCTGGGCACAGTGGCCTCAGCAGCGGAGACAGCGACGCAC[A>C]ACGGGCCGCAGAGGGGAGCCCCATTGAGGTCGAGCCGTGCCCACCTGCTATAGCTGGTGT-3'
Protein context (NP_000352.1, residues 126-146): DLNGAPLCGP[Leu136Trp]CVAVSAAEAT